The following is an entry in ClinVar:

ClinVar aggregate classification (germline): Uncertain significance (1 of 4 stars; one submission).

Conditions:
Neurofibromatosis, type 2 (SWNV). Also called: BILATERAL ACOUSTIC NEUROFIBROMATOSIS; SCHWANNOMATOSIS, VESTIBULAR; NF2-Related Schwannomatosis. Identifiers: Orphanet 637, MedGen C0027832, MONDO:0007039, OMIM 101000. Disease mechanism: loss of function.

Submission:

Labcorp Genetics (formerly Invitae), Labcorp
Classification: Uncertain significance for Neurofibromatosis, type 2. Last evaluated: 2024-11-18. Review status: criteria provided, single submitter. Criteria: Invitae Variant Classification Sherloc (09022015). Collection method: clinical testing. Allele origin: germline.
Comment: This sequence change replaces alanine, which is neutral and non-polar, with proline, which is neutral and non-polar, at codon 340 of the NF2 protein (p.Ala340Pro). This variant is not present in population databases (gnomAD no frequency). This variant has not been reported in the literature in individuals affected with NF2-related conditions. Invitae Evidence Modeling of protein sequence and biophysical properties (such as structural, functional, and spatial information, amino acid conservation, physicochemical variation, residue mobility, and thermodynamic stability) indicates that this missense variant is not expected to disrupt NF2 protein function with a negative predictive value of 80%. In summary, the available evidence is currently insufficient to determine the role of this variant in disease. Therefore, it has been classified as a Variant of Uncertain Significance.

NM_000268.4(NF2):c.1018G>C (p.Ala340Pro)

Gene: NF2 (NF2, moesin-ezrin-radixin like (MERLIN) tumor suppressor; plus strand). Cytogenetic location: 22q12.2.
Variant type: single nucleotide variant.
Coding change: c.1018G>C on transcript NM_000268.4 (MANE Select); coding-DNA position 1018, G replaced by C.
Protein change: p.Ala340Pro; replaces alanine 340 with proline.
Molecular consequence: missense variant. On other transcripts: intron variant (1).
Genome position (GRCh38, 1-based): chr22:29,671,844, G>C. VCF-style: chr22-29671844-G-C. GRCh37 (hg19) VCF-style: chr22-30067833-G-C.
Other names: c.904G>C, p.Ala302Pro (NM_001407053.1, NM_001407056.1); c.895G>C, p.Ala299Pro (NM_001407054.1, NM_001407058.1, NM_181829.3); c.892G>C, p.Ala298Pro (NM_001407055.1, NM_181828.3); c.883G>C, p.Ala295Pro (NM_001407057.1, NM_001407059.1); c.1018G>C, p.Ala340Pro (NM_001407060.1, NM_001407066.1, NM_016418.5 and 2 more transcripts); c.760G>C, p.Ala254Pro (NM_001407062.1); c.769G>C, p.Ala257Pro (NM_001407063.1, NM_001407064.1, NM_181830.3 and 1 more transcripts); c.484G>C, p.Ala162Pro (NM_001407065.1); and 2 more; short protein forms A162P, A254P, A257P, A263P, A295P, A298P, A299P, A302P.
Identifiers: ClinVar variation 3618625 (VCV003618625.2).